The following is an entry in ClinVar:

NM_001130987.2(DYSF):c.888+11T>C

Gene: DYSF (dysferlin; plus strand). Cytogenetic location: 2p13.2.
Variant type: single nucleotide variant.
Coding change: c.888+11T>C on transcript NM_001130987.2 (MANE Select); 11 bases into the intron after coding-DNA position 888, T replaced by C.
Molecular consequence: intron variant.
Genome position (GRCh38, 1-based): chr2:71,515,762, T>C. VCF-style: chr2-71515762-T-C. GRCh37 (hg19) VCF-style: chr2-71742892-T-C.
Other names: c.885+11T>C (NM_001130979.2, NM_001130981.2, NM_001130980.2); c.792+11T>C (NM_001130978.2, NM_003494.4, NM_001130977.2 and 1 more transcripts); c.888+11T>C (NM_001130982.2, NM_001130985.2); c.795+11T>C (NM_001130983.2, NM_001130455.2, NM_001130984.2 and 1 more transcripts).
Identifiers: ClinVar variation 94361 (VCV000094361.30), dbSNP rs13428076, ClinGen allele CA147776.

ClinVar aggregate classification (germline): Benign/Likely benign. Review status: criteria provided, multiple submitters, no conflicts (2 of 4 stars). 13 submissions from 11 submitters: Benign (10); Likely benign (1). 2 of the submissions do not count toward it. Last evaluated 2026-02-04.

Conditions:
Autosomal recessive limb-girdle muscular dystrophy type 2B (LGMDR2). Also called: MUSCULAR DYSTROPHY, LIMB-GIRDLE, TYPE 3; Limb-Girdle Muscular Dystrophy Type 2B (LGMD2B); Limb-girdle muscular dystrophy, type 2B; MUSCULAR DYSTROPHY, LIMB-GIRDLE, AUTOSOMAL RECESSIVE 2. Identifiers: Orphanet 268, MedGen C1850889, MONDO:0009676, OMIM 253601.
Distal myopathy with anterior tibial onset. Identifiers: Orphanet 178400, MedGen C1847532, MONDO:0011721, OMIM 606768.
Miyoshi muscular dystrophy 1 (MMD1). Identifiers: Orphanet 45448, MedGen C4551973, MONDO:0024545, OMIM 254130.
Neuromuscular disease caused by qualitative or quantitative defects of dysferlin. Also called: Dysferlinopathy; Qualitative or quantitative defects of dysferlin. Identifiers: Orphanet 207073, MedGen C2931687, MONDO:0016145.

Allele frequency attached by ClinVar (database versions not stated): 1000 Genomes Project 0.10024; 1000 Genomes Project 30x 0.10103; ExAC 0.11639; TOPMed 0.13030; gnomAD 0.13265 and 0.13574; ESP Exome Variant Server 0.14017.
gnomAD v4.1: 212,348 of 1,613,846 alleles (13%); highest among the groups gnomAD compares: African/African-American, 15%; 14,653 homozygotes.

Submissions (13):

Labcorp Genetics (formerly Invitae), Labcorp
Classification: Benign for Neuromuscular disease caused by qualitative or quantitative defects of dysferlin. Last evaluated: 2026-02-04. Review status: criteria provided, single submitter. Criteria: Invitae Variant Classification Sherloc (09022015). Collection method: clinical testing. Allele origin: germline.

Blueprint Genetics
Classification: Benign. Last evaluated: 2024-11-26. Review status: criteria provided, single submitter. Criteria: ACMG Guidelines, 2015. Collection method: clinical testing. Allele origin: germline.

Genome-Nilou Lab
Classification: Benign for Autosomal recessive limb-girdle muscular dystrophy type 2B. Last evaluated: 2021-07-30. Review status: criteria provided, single submitter. Criteria: ACMG Guidelines, 2015. Collection method: clinical testing. Allele origin: germline. Affected: no.

Genome-Nilou Lab
Classification: Benign for Distal myopathy with anterior tibial onset. Last evaluated: 2021-07-30. Review status: criteria provided, single submitter. Criteria: ACMG Guidelines, 2015. Collection method: clinical testing. Allele origin: germline. Affected: no.

Genome-Nilou Lab
Classification: Benign for Miyoshi muscular dystrophy 1. Last evaluated: 2021-06-10. Review status: criteria provided, single submitter. Criteria: ACMG Guidelines, 2015. Collection method: clinical testing. Allele origin: germline. Affected: no.

Illumina Laboratory Services, Illumina
Classification: Benign for Qualitative or quantitative defects of dysferlin. Last evaluated: 2018-01-13. Review status: criteria provided, single submitter. Criteria: ICSL Variant Classification Criteria 13 December 2019. Collection method: clinical testing. Allele origin: germline.
Comment: This variant was observed in the ICSL laboratory as part of a predisposition screen in an ostensibly healthy population. It had not been previously curated by ICSL or reported in the Human Gene Mutation Database (HGMD: prior to June 1st, 2018), and was therefore a candidate for classification through an automated scoring system. Utilizing variant allele frequency, disease prevalence and penetrance estimates, and inheritance mode, an automated score was calculated to assess if this variant is too frequent to cause the disease. Based on the score and internal cut-off values, a variant classified as benign is not then subjected to further curation. The score for this variant resulted in a classification of benign for this disease.

GeneDx
Classification: Benign. Last evaluated: 2016-01-29. Review status: criteria provided, single submitter. Criteria: GeneDx Variant Classification (06012015). Collection method: clinical testing. Allele origin: germline. Affected: yes.
Comment: This variant is considered likely benign or benign based on one or more of the following criteria: it is a conservative change, it occurs at a poorly conserved position in the protein, it is predicted to be benign by multiple in silico algorithms, and/or has population frequency not consistent with disease.

Eurofins Ntd Llc (ga)
Classification: Benign. Last evaluated: 2015-04-24. Review status: criteria provided, single submitter. Criteria: EGL Classification Definitions 2015. Collection method: clinical testing. Allele origin: germline. Observed: 42 variant alleles, 38 heterozygotes, 4 homozygotes.

Laboratory for Molecular Medicine, Mass General Brigham Personalized Medicine
Classification: Benign. Last evaluated: 2015-01-13. Review status: criteria provided, single submitter. Criteria: LMM Criteria. Collection method: clinical testing. Allele origin: germline. Observed: 4 variant alleles.
Comment: c.888+11T>C in intron 8 of DYSF: This variant is not expected to have clinical s ignificance because it is not located within the conserved splice consensus sequ ence. It has been identified in 14.9% (656/4406) of African American chromosomes from a broad population by the NHLBI Exome Sequencing Project (dbSNP rs13428076).

Breakthrough Genomics
Classification: Likely benign. Review status: criteria provided, single submitter. Criteria: ACMG Guidelines, 2015. Collection method: not provided. Allele origin: germline. Inheritance: Autosomal recessive inheritance. Affected: yes.

PreventionGenetics, part of Exact Sciences
Classification: Benign. Review status: criteria provided, single submitter. Criteria: ACMG Guidelines, 2015. Collection method: clinical testing. Allele origin: germline.

Clinical Genetics, Academic Medical Center
Classification: Benign. Review status: no assertion criteria provided. Collection method: clinical testing. Allele origin: germline. Affected: yes. Study: VKGL Data-share Consensus. Not counted in ClinVar's aggregate classification.

Joint Genome Diagnostic Labs from Nijmegen and Maastricht, Radboudumc and MUMC+
Classification: Benign. Review status: no assertion criteria provided. Collection method: clinical testing. Allele origin: germline. Affected: yes. Study: VKGL Data-share Consensus. Not counted in ClinVar's aggregate classification.